The following is an entry in ClinVar:

ClinVar aggregate classification (germline): Benign. Review status: criteria provided, multiple submitters, no conflicts (2 of 4 stars). 3 submissions from 3 submitters: Benign (3). Last evaluated 2023-07-07.

Conditions:
Neurodevelopmental disorder with regression, abnormal movements, loss of speech, and seizures. Identifiers: Orphanet 597623, MedGen C4748127, MONDO:0060759, OMIM 618088.

Submissions (3):

Molecular Genetics, Royal Melbourne Hospital
Classification: Benign for Neurodevelopmental disorder with regression, abnormal movements, loss of speech, and seizures. Last evaluated: 2023-07-07. Review status: criteria provided, single submitter. Criteria: ACMG Guidelines, 2015. Collection method: clinical testing. Allele origin: germline. Inheritance: Autosomal dominant inheritance.

Mayo Clinic Laboratories, Mayo Clinic
Classification: Benign. Last evaluated: 2022-03-24. Review status: criteria provided, single submitter. Criteria: ACMG Guidelines, 2015. Collection method: clinical testing. Allele origin: germline. Observed: 199 variant alleles.

GeneDx
Classification: Benign. Last evaluated: 2019-08-28. Review status: criteria provided, single submitter. Criteria: GeneDx Variant Classification Process June 2021. Collection method: clinical testing. Allele origin: germline. Affected: yes.
Comment: Has not been previously published as pathogenic to our knowledge

NM_024496.4(IRF2BPL):c.345GCA[8] (p.Gln126_Gln127del)

Gene: IRF2BPL (interferon regulatory factor 2 binding protein like; minus strand). Cytogenetic location: 14q24.3.
Variant type: Microsatellite.
Coding change: c.345GCA[8] on transcript NM_024496.4 (MANE Select); eight copies in a row of the 3-base unit GCA starting at c.345; the reference has ten copies in a row; two copies, 6 bases deleted; also written c.369_374del.
Protein change: p.Gln126_Gln127del.
Molecular consequence: inframe deletion.
Genome position (GRCh38, 1-based): chr14:77,027,419-77,027,424, TGCTGC deleted on the plus strand (GCAGCA on the coding strand, the reverse complement: IRF2BPL is on the minus strand); deleting any 6 consecutive bases within chr14:77,027,419-77,027,450 gives the same sequence; the position shown is the placement nearest the transcript's 3' end. VCF-style (leftmost placement, unchanged base first): chr14-77027418-TTGCTGC-T. GRCh37 (hg19) VCF-style: chr14-77493761-TTGCTGC-T.
Other names: p.Gln126_Gln127del; c.369_374delGCAGCA (NM_024496.4); c.369_374del (NM_024496.4).
Identifiers: ClinVar variation 1241054 (VCV001241054.4), dbSNP rs200317113, ClinGen allele CA7283973.